The following is an entry in ClinVar:

ClinVar aggregate classification (germline): Likely benign. Review status: criteria provided, multiple submitters, no conflicts (2 of 4 stars). 2 submissions from 2 submitters: Likely benign (2). Last evaluated 2026-04-20.

Conditions:
CPSF1-related disorder. Also called: CPSF1-related condition.

gnomAD v4.1: 384 of 1,608,026 alleles (0.024%); highest among the groups gnomAD compares: African/African-American, 0.22%; no homozygotes.

Submissions (2):

PreventionGenetics, part of Exact Sciences
Classification: Likely benign for CPSF1-related condition. Last evaluated: 2026-04-20. Review status: criteria provided, single submitter. Criteria: ACMG Guidelines, 2015. Collection method: clinical testing. Allele origin: germline.
Comment: This variant is classified as likely benign based on ACMG/AMP sequence variant interpretation guidelines (Richards et al. 2015 PMID: 25741868, with internal and published modifications).

Blueprint Genetics
Classification: Likely benign. Last evaluated: 2024-10-08. Review status: criteria provided, single submitter. Criteria: ACMG Guidelines, 2015. Collection method: clinical testing. Allele origin: germline.

NM_013291.3(CPSF1):c.2064G>A (p.Pro688=)

Gene: CPSF1 (cleavage and polyadenylation specific factor 1; minus strand). Cytogenetic location: 8q24.3.
Variant type: single nucleotide variant.
Coding change: c.2064G>A on transcript NM_013291.3 (MANE Select); coding-DNA position 2064, G replaced by A.
Protein change: p.Pro688=; no amino-acid change (proline 688 retained).
Molecular consequence: synonymous variant.
Genome position (GRCh38, 1-based): chr8:144,397,963, C>T on the plus strand (G>A on the coding strand, the complement: CPSF1 is on the minus strand). VCF-style: chr8-144397963-C-T. GRCh37 (hg19) VCF-style: chr8-145623178-C-T.
Other names: c.2064G>A (NM_013291.2).
Identifiers: ClinVar variation 4902096 (VCV004902096.2).